The following is an entry in ClinVar:

NM_001171.6(ABCC6):c.*38G>A

Gene: ABCC6 (ATP binding cassette subfamily C member 6; minus strand). Cytogenetic location: 16p13.11.
Variant type: single nucleotide variant.
Coding change: c.*38G>A on transcript NM_001171.6 (MANE Select); 38 bases downstream of the stop codon, G replaced by A.
Molecular consequence: 3 prime UTR variant. On other transcripts: non-coding transcript variant (1).
Genome position (GRCh38, 1-based): chr16:16,150,095, C>T on the plus strand (G>A on the coding strand, the complement: ABCC6 is on the minus strand). VCF-style: chr16-16150095-C-T. GRCh37 (hg19) VCF-style: chr16-16243952-C-T.
Other names: c.*38G>A (NM_001351800.1).
Identifiers: ClinVar variation 433370 (VCV000433370.9), dbSNP rs59461468, ClinGen allele CA7925139.

ClinVar aggregate classification (germline): Benign/Likely benign. Review status: criteria provided, multiple submitters, no conflicts (2 of 4 stars). 5 submissions from 5 submitters: Benign (2); Likely benign (1). 2 of the submissions do not count toward it. Last evaluated 2025-10-31.

Conditions:
ABCC6-related disorder. Also called: ABCC6-related condition.
Arterial calcification, generalized, of infancy, 2. Identifiers: Orphanet 51608, MedGen C3276161, MONDO:0013768, OMIM 614473.
Autosomal recessive inherited pseudoxanthoma elasticum (PXE). Identifiers: Orphanet 758, MedGen CN032334, MONDO:0009925, OMIM 264800.
Pseudoxanthoma elasticum, forme fruste. Also called: Pseudoxanthoma Elasticum, Incomplete; PSEUDOXANTHOMA ELASTICUM, HETEROZYGOUS. Identifiers: Orphanet 758, MedGen C1867450, MONDO:0008333, OMIM 177850.

Allele frequency attached by ClinVar (database versions not stated): gnomAD exomes 0.00181 and 0.00822; gnomAD 0.00206 and 0.00214; 1000 Genomes Project 0.00319; 1000 Genomes Project 30x 0.00344; TOPMed 0.00500; ExAC 0.00675.
gnomAD v4.1: 2,930 of 1,609,912 alleles (0.18%); highest among the groups gnomAD compares: Admixed American, 4.3%; 82 homozygotes.

Submissions (5):

PreventionGenetics, part of Exact Sciences
Classification: Benign for ABCC6-related condition. Last evaluated: 2025-10-31. Review status: criteria provided, single submitter. Criteria: ACMG Guidelines, 2015. Collection method: clinical testing. Allele origin: germline.
Comment: This variant is classified as benign based on ACMG/AMP sequence variant interpretation guidelines (Richards et al. 2015 PMID: 25741868, with internal and published modifications).

Fulgent Genetics
Classification: Likely benign for Pseudoxanthoma elasticum, forme fruste; Autosomal recessive inherited pseudoxanthoma elasticum; Arterial calcification, generalized, of infancy, 2. Last evaluated: 2022-01-19. Review status: criteria provided, single submitter. Criteria: ACMG Guidelines, 2015. Collection method: clinical testing. Allele origin: unknown.

Breakthrough Genomics
Classification: Benign. Review status: criteria provided, single submitter. Criteria: ACMG Guidelines, 2015. Collection method: not provided. Allele origin: germline. Inheritance: Autosomal recessive inheritance. Affected: yes.

PXE International
Classification: Benign for Autosomal recessive inherited pseudoxanthoma elasticum. Last evaluated: 2021-03-01. Review status: no assertion criteria provided. Collection method: research. Allele origin: germline. Inheritance: Autosomal recessive inheritance. Affected: yes. Not counted in ClinVar's aggregate classification.

Reproductive Health Research and Development, BGI Genomics
Classification: Benign for Pseudoxanthoma elasticum. Last evaluated: 2020-01-06. Review status: no assertion criteria provided. Collection method: curation. Allele origin: germline. Not counted in ClinVar's aggregate classification.
Comment: NM_001171.5:c.*38G>A in the ABCC6 gene has an allele frequency of 0.056 in Latino subpopulation in the gnomAD database. 66 homozygous occurrences are observed in the gnomAD database.This evidence suggests the variant to be classified as benign. ACMG/AMP criteria applied: BA1, BS2.

Literature cited by the submitters: PubMed 16086317 (cited by PXE International).